The following is an entry in ClinVar:

NM_001330588.2(TPP2):c.73T>G (p.Ser25Ala)

Gene: TPP2 (tripeptidyl peptidase 2; plus strand). Cytogenetic location: 13q33.1.
Variant type: single nucleotide variant.
Coding change: c.73T>G on transcript NM_001330588.2 (MANE Select); coding-DNA position 73, T replaced by G.
Protein change: p.Ser25Ala; replaces serine 25 with alanine.
Molecular consequence: missense variant. On other transcripts: non-coding transcript variant (1).
Genome position (GRCh38, 1-based): chr13:102,597,111, T>G. VCF-style: chr13-102597111-T-G. GRCh37 (hg19) VCF-style: chr13-103249461-T-G.
Other names: c.73T>G, p.Ser25Ala (NM_001367947.1, NM_003291.4); short protein forms S25A.
Identifiers: ClinVar variation 854994 (VCV000854994.6), dbSNP rs139932354, ClinGen allele CA7037398.
Genomic context (GRCh38, chr13:102,597,111, plus strand): 5'-GCGACTGAGGAGCCCTTCCCTTTTCACGGTCTCCTGCCGAAGAAGGAGACCGGAGCCGCC[T>G]CCTTCCTCTGCCGCTACCCGGAGTATGATGGGCGGGGGGTGCTCATCGCAGTCCTGGACA-3'
Protein context (NP_001317517.1, residues 15-35): LLPKKETGAA[Ser25Ala]FLCRYPEYDG

ClinVar aggregate classification (germline): Uncertain significance. Review status: criteria provided, multiple submitters, no conflicts (2 of 4 stars). 2 submissions from 2 submitters: Uncertain significance (2). Last evaluated 2026-01-06.

Conditions:
Inborn genetic diseases. Identifiers: MedGen C0950123, MeSH D030342.
Evans syndrome, immunodeficiency, and premature immunosenescence associated with tripeptidyl-peptidase II deficiency. Identifiers: MedGen CN231723. Disease mechanism: loss of function.

Allele frequency attached by ClinVar (database versions not stated): gnomAD exomes 0.00006; ExAC 0.00007; TOPMed 0.00009; gnomAD 0.00010; ESP Exome Variant Server 0.00039.
gnomAD v4.1: 399 of 1,611,030 alleles (0.025%); highest among the groups gnomAD compares: Non-Finnish European, 0.032%; 2 homozygotes.

Submissions (2):

Labcorp Genetics (formerly Invitae), Labcorp
Classification: Uncertain significance for Evans syndrome, immunodeficiency, and premature immunosenescence associated with tripeptidyl-peptidase II deficiency. Last evaluated: 2026-01-06. Review status: criteria provided, single submitter. Criteria: Invitae Variant Classification Sherloc (09022015). Collection method: clinical testing. Allele origin: germline.
Comment: This sequence change replaces serine, which is neutral and polar, with alanine, which is neutral and non-polar, at codon 25 of the TPP2 protein (p.Ser25Ala). The frequency data for this variant in the population databases is considered unreliable, as metrics indicate poor data quality at this position in the gnomAD database. This variant has not been reported in the literature in individuals affected with TPP2-related conditions. ClinVar contains an entry for this variant (Variation ID: 854994). An algorithm developed to predict the effect of missense changes on protein structure and function (PolyPhen-2) suggests that this variant is likely to be tolerated. In summary, the available evidence is currently insufficient to determine the role of this variant in disease. Therefore, it has been classified as a Variant of Uncertain Significance.

Ambry Genetics
Classification: Uncertain significance for Inborn genetic diseases. Last evaluated: 2023-12-22. Review status: criteria provided, single submitter. Criteria: Ambry Variant Classification Scheme 2023. Collection method: clinical testing. Allele origin: germline.